The following is an entry in ClinVar:

ClinVar aggregate classification (germline): Benign (1 of 4 stars; one submission).

gnomAD v4.1: 5,030 of 1,613,990 alleles (0.31%); highest among the groups gnomAD compares: East Asian, 1.4%; 18 homozygotes.

Submission:

CeGaT Center for Human Genetics Tuebingen
Classification: Benign. Last evaluated: 2025-02-01. Review status: criteria provided, single submitter. Criteria: CeGaT Center For Human Genetics Tuebingen Variant Classification Criteria Version 2. Collection method: clinical testing. Allele origin: germline. Affected: yes. Observed: 1 variant allele.
Comment: ZDHHC14: BP4, BS1, BS2

NM_024630.3(ZDHHC14):c.1001C>T (p.Thr334Met)

Gene: ZDHHC14 (zDHHC palmitoyltransferase 14; plus strand). Cytogenetic location: 6q25.3.
Variant type: single nucleotide variant.
Coding change: c.1001C>T on transcript NM_024630.3 (MANE Select); coding-DNA position 1001, C replaced by T.
Protein change: p.Thr334Met; replaces threonine 334 with methionine.
Molecular consequence: missense variant.
Genome position (GRCh38, 1-based): chr6:157,653,560, C>T. VCF-style: chr6-157653560-C-T. GRCh37 (hg19) VCF-style: chr6-158074592-C-T.
Other names: c.1001C>T, p.Thr334Met (NM_153746.2); short protein forms T334M.
Identifiers: ClinVar variation 3770533 (VCV003770533.13).